The following is an entry in ClinVar:

ClinVar aggregate classification (germline): Uncertain significance (1 of 4 stars; one submission).

Conditions:
Aicardi-Goutieres syndrome 3. Identifiers: Orphanet 51, MedGen C1835916, MONDO:0012471, OMIM 610329.

Submission:

Labcorp Genetics (formerly Invitae), Labcorp
Classification: Uncertain significance for Aicardi-Goutieres syndrome 3. Last evaluated: 2022-08-31. Review status: criteria provided, single submitter. Criteria: Invitae Variant Classification Sherloc (09022015). Collection method: clinical testing. Allele origin: germline.
Comment: This sequence change replaces alanine, which is neutral and non-polar, with serine, which is neutral and polar, at codon 24 of the RNASEH2C protein (p.Ala24Ser). This variant is not present in population databases (gnomAD no frequency). This variant has not been reported in the literature in individuals affected with RNASEH2C-related conditions. ClinVar contains an entry for this variant (Variation ID: 1465391). Algorithms developed to predict the effect of missense changes on protein structure and function (SIFT, PolyPhen-2, Align-GVGD) all suggest that this variant is likely to be tolerated. In summary, the available evidence is currently insufficient to determine the role of this variant in disease. Therefore, it has been classified as a Variant of Uncertain Significance.

NM_032193.4(RNASEH2C):c.70G>T (p.Ala24Ser)

Genes: RNASEH2C (ribonuclease H2 subunit C; minus strand), LOC130006061 (ATAC-STARR-seq lymphoblastoid silent region 3553; plus strand). Cytogenetic location: 11q13.1.
Variant type: single nucleotide variant.
Coding change: c.70G>T on transcript NM_032193.4 (MANE Select); coding-DNA position 70, G replaced by T.
Protein change: p.Ala24Ser; replaces alanine 24 with serine.
Molecular consequence: missense variant.
Genome position (GRCh38, 1-based): chr11:65,720,689, C>A on the plus strand (G>T on the coding strand, the complement: RNASEH2C is on the minus strand). VCF-style: chr11-65720689-C-A. GRCh37 (hg19) VCF-style: chr11-65488160-C-A.
Other names: short protein forms A24S.
Identifiers: ClinVar variation 1465391 (VCV001465391.5), dbSNP rs2135654326, ClinGen allele CA381299492.